The following is an entry in ClinVar:

NM_032638.5(GATA2):c.478A>C (p.Thr160Pro)

Gene: GATA2 (GATA binding protein 2; minus strand). Cytogenetic location: 3q21.3.
Variant type: single nucleotide variant.
Coding change: c.478A>C on transcript NM_032638.5 (MANE Select); coding-DNA position 478, A replaced by C.
Protein change: p.Thr160Pro; replaces threonine 160 with proline.
Molecular consequence: missense variant.
Genome position (GRCh38, 1-based): chr3:128,486,120, T>G on the plus strand (A>C on the coding strand, the complement: GATA2 is on the minus strand). VCF-style: chr3-128486120-T-G. GRCh37 (hg19) VCF-style: chr3-128204963-T-G.
Other names: c.478A>C, p.Thr160Pro (NM_001145661.2, NM_001145662.1); short protein forms T160P.
Identifiers: ClinVar variation 2923495 (VCV002923495.4), dbSNP rs1469388941, ClinGen allele CA354406673.

ClinVar aggregate classification (germline): Uncertain significance. Review status: criteria provided, multiple submitters, no conflicts (2 of 4 stars). 2 submissions from 2 submitters: Uncertain significance (2). Last evaluated 2026-08-22.

Conditions:
Deafness-lymphedema-leukemia syndrome. Also called: Emberger syndrome; Lymphedema, primary, with myelodysplasia. Identifiers: Orphanet 3226, MedGen C3279664, MONDO:0013540, OMIM 614038.
Monocytopenia with susceptibility to infections. Also called: MONOCYTOPENIA AND MYCOBACTERIAL INFECTION SYNDROME; MONOCYTOPENIA WITH SUSCEPTIBILITY TO MYCOBACTERIAL, FUNGAL, AND PAPILLOMAVIRUS INFECTIONS AND MYELODYSPLASIA; COMBINED IMMUNODEFICIENCY WITH SUSCEPTIBILITY TO MYCOBACTERIAL, VIRAL, AND FUNGAL INFECTIONS; Dendritic cell, monocyte, B lymphocyte, and natural killer lymphocyte deficiency; GATA2 DEFICIENCY; IMMUNODEFICIENCY 21. Identifiers: Orphanet 228423, MedGen C3280030, MONDO:0013607, OMIM 614172.
Inborn genetic diseases. Identifiers: MedGen C0950123, MeSH D030342.

Allele frequency attached by ClinVar (database versions not stated): gnomAD 0.00001.
gnomAD v4.1: 1 of 1,611,050 alleles (0.000062%); highest among the groups gnomAD compares: East Asian, 0.0022%; no homozygotes.

Submissions (2):

Ambry Genetics
Classification: Uncertain significance for Inborn genetic diseases. Last evaluated: 2026-08-22. Review status: criteria provided, single submitter. Criteria: Ambry Variant Classification Scheme 2023. Collection method: clinical testing. Allele origin: germline.
Comment: The p.T160P variant (also known as c.478A>C), located in coding exon 2 of the GATA2 gene, results from an A to C substitution at nucleotide position 478. The threonine at codon 160 is replaced by proline, an amino acid with highly similar properties. This amino acid position is conserved. In addition, the in silico prediction for this alteration is inconclusive. Based on the available evidence, the clinical significance of this variant remains unclear.

Labcorp Genetics (formerly Invitae), Labcorp
Classification: Uncertain significance for Monocytopenia with susceptibility to infections; Deafness-lymphedema-leukemia syndrome. Last evaluated: 2025-07-03. Review status: criteria provided, single submitter. Criteria: Invitae Variant Classification Sherloc (09022015). Collection method: clinical testing. Allele origin: germline.
Comment: This sequence change replaces threonine, which is neutral and polar, with proline, which is neutral and non-polar, at codon 160 of the GATA2 protein (p.Thr160Pro). This variant is present in population databases (no rsID available, gnomAD 0.06%). This variant has not been reported in the literature in individuals affected with GATA2-related conditions. ClinVar contains an entry for this variant (Variation ID: 2923495). Invitae Evidence Modeling of protein sequence and biophysical properties (such as structural, functional, and spatial information, amino acid conservation, physicochemical variation, residue mobility, and thermodynamic stability) indicates that this missense variant is not expected to disrupt GATA2 protein function with a negative predictive value of 95%. In summary, the available evidence is currently insufficient to determine the role of this variant in disease. Therefore, it has been classified as a Variant of Uncertain Significance.